The following is an entry in ClinVar:

ClinVar aggregate classification (germline): Uncertain significance. Review status: criteria provided, multiple submitters, no conflicts (2 of 4 stars). 2 submissions from 2 submitters: Uncertain significance (2). Last evaluated 2023-08-13.

Conditions:
Charcot-Marie-Tooth disease type 2. Also called: Charcot-Marie-Tooth type 2. Identifiers: Orphanet 64746, MedGen C0270914, MONDO:0018993.
Heart-hand syndrome, Slovenian type. Identifiers: Orphanet 168796, MedGen C1857829, MONDO:0012417, OMIM 610140.

Submissions (2):

3billion
Classification: Uncertain significance for Heart-hand syndrome, Slovenian type. Last evaluated: 2023-08-13. Review status: criteria provided, single submitter. Criteria: ACMG Guidelines, 2015. Collection method: clinical testing. Allele origin: germline. Affected: yes.
Comment: The variant is not observed in the gnomAD v2.1.1 dataset. Predicted Consequence/Location: Missense variant In silico tool predictions suggest damaging effect of the variant on gene or gene product [REVEL: 0.85 (>=0.6, sensitivity 0.68 and specificity 0.92); 3Cnet: 1.00 (>=0.6, sensitivity 0.72 and precision 0.9)]. Therefore, this variant is classified as VUS according to the recommendation of ACMG/AMP guideline.

Labcorp Genetics (formerly Invitae), Labcorp
Classification: Uncertain significance for Charcot-Marie-Tooth disease type 2. Last evaluated: 2019-03-20. Review status: criteria provided, single submitter. Criteria: Invitae Variant Classification Sherloc (09022015). Collection method: clinical testing. Allele origin: germline.
Comment: This sequence change replaces isoleucine with serine at codon 77 of the LMNA protein (p.Ile77Ser). The isoleucine residue is highly conserved and there is a large physicochemical difference between isoleucine and serine. This variant is not present in population databases (ExAC no frequency). This variant has not been reported in the literature in individuals with LMNA-related conditions. Algorithms developed to predict the effect of missense changes on protein structure and function (SIFT, PolyPhen-2, Align-GVGD) all suggest that this variant is likely to be disruptive, but these predictions have not been confirmed by published functional studies and their clinical significance is uncertain. In summary, the available evidence is currently insufficient to determine the role of this variant in disease. Therefore, it has been classified as a Variant of Uncertain Significance.

NM_170707.4(LMNA):c.230T>G (p.Ile77Ser)

Gene: LMNA (lamin A/C; plus strand). Cytogenetic location: 1q22.
Variant type: single nucleotide variant.
Coding change: c.230T>G on transcript NM_170707.4 (MANE Select); coding-DNA position 230, T replaced by G.
Protein change: p.Ile77Ser; replaces isoleucine 77 with serine.
Molecular consequence: missense variant.
Genome position (GRCh38, 1-based): chr1:156,115,148, T>G. VCF-style: chr1-156115148-T-G. GRCh37 (hg19) VCF-style: chr1-156084939-T-G.
Other names: c.230T>G, p.Ile77Ser (NM_001282625.2, NM_001282626.2, NM_005572.4 and 1 more transcripts); short protein forms I77S.
Identifiers: ClinVar variation 842015 (VCV000842015.10), dbSNP rs876657850, ClinGen allele CA342808352.
Genomic context (GRCh38, chr1:156,115,148, plus strand): 5'-CAGGGCTGCGCCTTCGCATCACCGAGTCTGAAGAGGTGGTCAGCCGCGAGGTGTCCGGCA[T>G]CAAGGCCGCCTACGAGGCCGAGCTCGGGGATGCCCGCAAGACCCTTGACTCAGTAGCCAA-3'
Protein context (NP_733821.1, residues 67-87): EEVVSREVSG[Ile77Ser]KAAYEAELGD